The following is an entry in ClinVar:

NM_001018005.2(TPM1):c.431A>G (p.Gln144Arg)

Gene: TPM1 (tropomyosin 1; plus strand). Cytogenetic location: 15q22.2.
Variant type: single nucleotide variant.
Coding change: c.431A>G on transcript NM_001018005.2 (MANE Select); coding-DNA position 431, A replaced by G.
Protein change: p.Gln144Arg; replaces glutamine 144 with arginine.
Molecular consequence: missense variant.
Genome position (GRCh38, 1-based): chr15:63,059,619, A>G. VCF-style: chr15-63059619-A-G. GRCh37 (hg19) VCF-style: chr15-63351818-A-G.
Other names: c.431A>G, p.Gln144Arg (NM_001365777.1, NM_001365779.1, NM_000366.6 and 6 more transcripts); c.557A>G, p.Gln186Arg (NM_001365778.1); c.323A>G, p.Gln108Arg (NM_001365780.1, NM_001365781.2, NM_001365782.1 and 5 more transcripts); short protein forms Q144R, Q108R, Q186R.
Identifiers: ClinVar variation 626551 (VCV000626551.10), dbSNP rs1566962338, ClinGen allele CA392722197.

ClinVar aggregate classification (germline): Uncertain significance. Review status: criteria provided, multiple submitters, no conflicts (2 of 4 stars). 5 submissions from 5 submitters: Uncertain significance (5). Last evaluated 2023-06-08.

Conditions:
Hypertrophic cardiomyopathy. Also called: HYPERTROPHIC MYOCARDIOPATHY. Identifiers: Orphanet 217569, MedGen C0007194, MeSH D002312, MONDO:0005045, HP:0001639.
Cardiomyopathy (CMYO). Also called: Cardiomyopathies. Identifiers: Orphanet 167848, MedGen C0878544, MONDO:0004994, HP:0001638. Inheritance: Various modes of inheritance.

Submissions (5):

All of Us Research Program, National Institutes of Health
Classification: Uncertain significance for Hypertrophic cardiomyopathy. Last evaluated: 2023-06-08. Review status: criteria provided, single submitter. Criteria: ACMG Guidelines, 2015. Collection method: clinical testing. Allele origin: germline. Inheritance: Autosomal dominant inheritance. Observed: 1 variant allele, 1 heterozygote.
Comment: This missense variant replaces glutamine with arginine at codon 144 of the TPM1 protein. Computational prediction suggests that this variant may have a deleterious impact on protein structure and function (internally defined REVEL score threshold >= 0.7, PMID: 27666373). To our knowledge, functional studies have not been reported for this variant. This variant has not been reported in individuals affected with TPM1-related disorders in the literature. This variant has not been identified in the general population by the Genome Aggregation Database (gnomAD). The available evidence is insufficient to determine the role of this variant in disease conclusively. Therefore, this variant is classified as a Variant of Uncertain Significance.

This study involves interpretation of variants in research participants for the purpose of population health screening. Participant phenotype was not available at the time of variant classification. Additional details can be found in publication PMID: 35346344, PMCID: PMC8962531

Labcorp Genetics (formerly Invitae), Labcorp
Classification: Uncertain significance for Hypertrophic cardiomyopathy. Last evaluated: 2023-02-06. Review status: criteria provided, single submitter. Criteria: Invitae Variant Classification Sherloc (09022015). Collection method: clinical testing. Allele origin: germline.
Comment: In summary, the available evidence is currently insufficient to determine the role of this variant in disease. Therefore, it has been classified as a Variant of Uncertain Significance. Algorithms developed to predict the effect of missense changes on protein structure and function are either unavailable or do not agree on the potential impact of this missense change (SIFT: "Tolerated"; PolyPhen-2: "Probably Damaging"; Align-GVGD: "Class C0"). ClinVar contains an entry for this variant (Variation ID: 626551). This variant has not been reported in the literature in individuals affected with TPM1-related conditions. This variant is not present in population databases (gnomAD no frequency). This sequence change replaces glutamine, which is neutral and polar, with arginine, which is basic and polar, at codon 144 of the TPM1 protein (p.Gln144Arg).

GeneDx
Classification: Uncertain significance. Last evaluated: 2021-05-12. Review status: criteria provided, single submitter. Criteria: GeneDx Variant Classification Process June 2021. Collection method: clinical testing. Allele origin: germline. Affected: yes.
Comment: Not observed in large population cohorts (Lek et al., 2016); In silico analysis supports that this missense variant has a deleterious effect on protein structure/function; Has not been previously published as pathogenic or benign to our knowledge

Blueprint Genetics
Classification: Uncertain significance. Last evaluated: 2020-01-08. Review status: criteria provided, single submitter. Criteria: ACMG Guidelines, 2015. Collection method: clinical testing. Allele origin: germline.

CHEO Genetics Diagnostic Laboratory, Children's Hospital of Eastern Ontario
Classification: Uncertain significance for Cardiomyopathy. Last evaluated: 2017-09-19. Review status: criteria provided, single submitter. Criteria: ACMG Guidelines, 2015. Collection method: clinical testing. Allele origin: germline. Study: Canadian Open Genetics Repository.